The following is an entry in ClinVar:

ClinVar aggregate classification (germline): Pathogenic (1 of 4 stars; one submission).

Submission:

Baylor Genetics
Classification: Pathogenic. Last evaluated: 2018-11-01. Review status: criteria provided, single submitter. Criteria: ACMG CNV Guidelines, 2011. Collection method: clinical testing. Allele origin: germline. Observed: 1 variant allele.

GRCh37/hg19 12q21.31-21.32(chr12:82183041-88755577)

Genes: NTS (neurotensin; plus strand), RLIG1 (RNA 5'-phosphate and 3'-OH ligase 1; plus strand), SLC6A15 (solute carrier family 6 member 15; minus strand), TMTC2 (transmembrane O-mannosyltransferase targeting cadherins 2; plus strand), TMTC3 (transmembrane O-mannosyltransferase targeting cadherins 3; plus strand) and 9 more. Cytogenetic location: 12q21.31-21.32.
Variant type: copy number gain.
Identifiers: ClinVar variation 625562 (VCV000625562.1).